The following is an entry in ClinVar:

ClinVar aggregate classification (germline): Uncertain significance (1 of 4 stars; one submission).

Conditions:
Werner syndrome (WRN). Identifiers: Orphanet 902, MedGen C0043119, MONDO:0010196, OMIM 277700.

Submission:

Labcorp Genetics (formerly Invitae), Labcorp
Classification: Uncertain significance for Werner syndrome. Last evaluated: 2020-09-09. Review status: criteria provided, single submitter. Criteria: Invitae Variant Classification Sherloc (09022015). Collection method: clinical testing. Allele origin: germline.
Comment: In summary, the available evidence is currently insufficient to determine the role of this variant in disease. Therefore, it has been classified as a Variant of Uncertain Significance. Algorithms developed to predict the effect of sequence changes on RNA splicing suggest that this variant may create or strengthen a splice site, but this prediction has not been confirmed by published transcriptional studies. Algorithms developed to predict the effect of missense changes on protein structure and function are either unavailable or do not agree on the potential impact of this missense change (SIFT: "Not Available"; PolyPhen-2: "Benign"; Align-GVGD: "Not Available"). This variant has not been reported in the literature in individuals with WRN-related conditions. This variant is not present in population databases (ExAC no frequency). This sequence change replaces glutamic acid with glycine at codon 488 of the WRN protein (p.Glu488Gly). The glutamic acid residue is moderately conserved and there is a moderate physicochemical difference between glutamic acid and glycine.

NM_000553.6(WRN):c.1463A>G (p.Glu488Gly)

Gene: WRN (WRN RecQ like helicase; plus strand). Cytogenetic location: 8p12.
Variant type: single nucleotide variant.
Coding change: c.1463A>G on transcript NM_000553.6 (MANE Select); coding-DNA position 1463, A replaced by G.
Protein change: p.Glu488Gly; replaces glutamic acid 488 with glycine.
Molecular consequence: missense variant.
Genome position (GRCh38, 1-based): chr8:31,087,807, A>G. VCF-style: chr8-31087807-A-G. GRCh37 (hg19) VCF-style: chr8-30945323-A-G.
Other names: short protein forms E488G.
Identifiers: ClinVar variation 1038278 (VCV001038278.3), dbSNP rs1813591234, ClinGen allele CA370924314.
Genomic context (GRCh38, chr8:31,087,807, plus strand): 5'-TGCTTTTAAGATTTCTTTTAAACTTTCAGTCTTTAGAAAACCTCAATAGTGGCACGGTAG[A>G]ACCAACTCATTCTAAATGCTTAAAAATGGAAAGAAATCTGGGTCTTCCTACTAAAGAAGA-3'
Protein context (NP_000544.2, residues 478-498): SLENLNSGTV[Glu488Gly]PTHSKCLKME